The following is an entry in ClinVar:

ClinVar aggregate classification (germline): Benign/Likely benign. Review status: criteria provided, multiple submitters, no conflicts (2 of 4 stars). 3 submissions from 3 submitters: Benign (1); Likely benign (2). Last evaluated 2022-05-01.

Conditions:
Inborn genetic diseases. Identifiers: MedGen C0950123, MeSH D030342.
Factor V deficiency. Also called: Reduced coagulation factor V activity. Identifiers: Orphanet 326, MedGen C4317320, MONDO:0020586, HP:0003225.

Allele frequency attached by ClinVar (database versions not stated): gnomAD exomes 0.00016 and 0.00036; ExAC 0.00038; 1000 Genomes Project 0.00080; 1000 Genomes Project 30x 0.00109; gnomAD 0.00132 and 0.00148; TOPMed 0.00162.
gnomAD v4.1: 427 of 1,614,150 alleles (0.026%); highest among the groups gnomAD compares: African/African-American, 0.45%; 2 homozygotes.

Submissions (3):

CeGaT Center for Human Genetics Tuebingen
Classification: Likely benign. Last evaluated: 2022-05-01. Review status: criteria provided, single submitter. Criteria: CeGaT Center For Human Genetics Tuebingen Variant Classification Criteria Version 2. Collection method: clinical testing. Allele origin: germline. Affected: yes. Observed: 1 variant allele.
Comment: F5: BP4, BP7

Ambry Genetics
Classification: Likely benign for Inborn genetic diseases. Last evaluated: 2022-03-04. Review status: criteria provided, single submitter. Criteria: Ambry Variant Classification Scheme 2023. Collection method: clinical testing. Allele origin: germline.

Labcorp Genetics (formerly Invitae), Labcorp
Classification: Benign for Factor V deficiency. Last evaluated: 2019-12-31. Review status: criteria provided, single submitter. Criteria: Invitae Variant Classification Sherloc (09022015). Collection method: clinical testing. Allele origin: germline.

NM_000130.5(F5):c.1539A>G (p.Arg513=)

Gene: F5 (coagulation factor V; minus strand). Cytogenetic location: 1q24.2.
Variant type: single nucleotide variant.
Coding change: c.1539A>G on transcript NM_000130.5 (MANE Select); coding-DNA position 1539, A replaced by G.
Protein change: p.Arg513=; no amino-acid change (arginine 513 retained).
Molecular consequence: synonymous variant.
Genome position (GRCh38, 1-based): chr1:169,549,873, T>C on the plus strand (A>G on the coding strand, the complement: F5 is on the minus strand). VCF-style: chr1-169549873-T-C. GRCh37 (hg19) VCF-style: chr1-169519111-T-C.
Identifiers: ClinVar variation 786473 (VCV000786473.30), dbSNP rs140627208, ClinGen allele CA1234295.